The following is an entry in ClinVar:

NM_006206.6(PDGFRA):c.2615A>G (p.Tyr872Cys)

Gene: PDGFRA (platelet derived growth factor receptor alpha; plus strand). Cytogenetic location: 4q12.
Variant type: single nucleotide variant.
Coding change: c.2615A>G on transcript NM_006206.6 (MANE Select); coding-DNA position 2615, A replaced by G.
Protein change: p.Tyr872Cys; replaces tyrosine 872 with cysteine.
Molecular consequence: missense variant.
Genome position (GRCh38, 1-based): chr4:54,287,482, A>G. VCF-style: chr4-54287482-A-G. GRCh37 (hg19) VCF-style: chr4-55153649-A-G.
Other names: c.2690A>G, p.Tyr897Cys (NM_001347828.2); c.2615A>G, p.Tyr872Cys (NM_001347829.2); c.2654A>G, p.Tyr885Cys (NM_001347830.2); short protein forms Y897C, Y872C, Y885C.
Identifiers: ClinVar variation 1479508 (VCV001479508.6), dbSNP rs2110341444, ClinGen allele CA356895249.
Genomic context (GRCh38, chr4:54,287,482, plus strand): 5'-CCTTGCAGACCTTTCTGCCCGTGAAGTGGATGGCTCCTGAGAGCATCTTTGACAACCTCT[A>G]CACCACACTGAGTGATGTCTGGTCTTATGGCATTCTGCTCTGGGAGATCTTTTCCCTTGG-3'
Protein context (NP_006197.1, residues 862-882): MAPESIFDNL[Tyr872Cys]TTLSDVWSYG

ClinVar aggregate classification (germline): Uncertain significance (1 of 4 stars; one submission).

Conditions:
Gastrointestinal stromal tumor. Also called: Gastrointestinal stroma tumor; Gastrointestinal stromal tumor, somatic. Identifiers: Orphanet 44890, MedGen C0238198, MeSH D046152, MONDO:0011719, OMIM 606764, HP:0100723.

Submission:

Labcorp Genetics (formerly Invitae), Labcorp
Classification: Uncertain significance for Gastrointestinal stromal tumor. Last evaluated: 2023-11-27. Review status: criteria provided, single submitter. Criteria: Invitae Variant Classification Sherloc (09022015). Collection method: clinical testing. Allele origin: germline.
Comment: This sequence change replaces tyrosine, which is neutral and polar, with cysteine, which is neutral and slightly polar, at codon 872 of the PDGFRA protein (p.Tyr872Cys). This variant is not present in population databases (gnomAD no frequency). This variant has not been reported in the literature in individuals affected with PDGFRA-related conditions. ClinVar contains an entry for this variant (Variation ID: 1479508). Advanced modeling of protein sequence and biophysical properties (such as structural, functional, and spatial information, amino acid conservation, physicochemical variation, residue mobility, and thermodynamic stability) has been performed at Invitae for this missense variant, however the output from this modeling did not meet the statistical confidence thresholds required to predict the impact of this variant on PDGFRA protein function. In summary, the available evidence is currently insufficient to determine the role of this variant in disease. Therefore, it has been classified as a Variant of Uncertain Significance.